The following is an entry in ClinVar:

NM_001979.6(EPHX2):c.1275G>A (p.Ala425=)

Gene: EPHX2 (epoxide hydrolase 2; plus strand). Cytogenetic location: 8p21.1.
Variant type: single nucleotide variant.
Coding change: c.1275G>A on transcript NM_001979.6 (MANE Select); coding-DNA position 1275, G replaced by A.
Protein change: p.Ala425=; no amino-acid change (alanine 425 retained).
Molecular consequence: synonymous variant. On other transcripts: non-coding transcript variant (2).
Genome position (GRCh38, 1-based): chr8:27,538,691, G>A. VCF-style: chr8-27538691-G-A. GRCh37 (hg19) VCF-style: chr8-27396208-G-A.
Other names: c.1116G>A, p.Ala372= (NM_001256482.2, NM_001256484.2); c.1077G>A, p.Ala359= (NM_001256483.2); c.1275G>A, p.Ala425= (NM_001414016.1, NM_001414017.1, NM_001414018.1); c.1179G>A, p.Ala393= (NM_001414019.1); c.1152G>A, p.Ala384= (NM_001414020.1).
Identifiers: ClinVar variation 3055553 (VCV003055553.2), dbSNP rs4149253, ClinGen allele CA4690369.

ClinVar aggregate classification (germline): Benign (0 of 4 stars; one submission).

Conditions:
EPHX2-related disorder. Also called: EPHX2-related condition.

Allele frequency attached by ClinVar (database versions not stated): gnomAD exomes 0.06225; ESP Exome Variant Server 0.07327; gnomAD 0.07781; ExAC 0.07798; TOPMed 0.07989; 1000 Genomes Project 30x 0.11040; 1000 Genomes Project 0.11362.
gnomAD v4.1: 103,434 of 1,613,174 alleles (6.4%); highest among the groups gnomAD compares: East Asian, 21%; 4,292 homozygotes.

Submission:

PreventionGenetics, part of Exact Sciences
Classification: Benign for EPHX2-related condition. Last evaluated: 2019-10-21. Review status: no assertion criteria provided. Collection method: clinical testing. Allele origin: germline.
Comment: This variant is classified as benign based on ACMG/AMP sequence variant interpretation guidelines (Richards et al. 2015 PMID: 25741868, with internal and published modifications).